The following is an entry in ClinVar:

NM_001845.6(COL4A1):c.1246C>T (p.Pro416Ser)

Gene: COL4A1 (collagen type IV alpha 1 chain; minus strand). Cytogenetic location: 13q34.
Variant type: single nucleotide variant.
Coding change: c.1246C>T on transcript NM_001845.6 (MANE Select); coding-DNA position 1246, C replaced by T.
Protein change: p.Pro416Ser; replaces proline 416 with serine.
Molecular consequence: missense variant.
Genome position (GRCh38, 1-based): chr13:110,198,506, G>A on the plus strand (C>T on the coding strand, the complement: COL4A1 is on the minus strand). VCF-style: chr13-110198506-G-A. GRCh37 (hg19) VCF-style: chr13-110850853-G-A.
Other names: c.1246C>T, p.Pro416Ser (NM_001303110.2); short protein forms P416S.
Identifiers: ClinVar variation 4882929 (VCV004882929.2).

ClinVar aggregate classification (germline): Uncertain significance (1 of 4 stars; one submission).

Submission:

Dasa
Classification: Uncertain significance. Last evaluated: 2025-08-08. Review status: criteria provided, single submitter. Criteria: DASA Assertion Criteria. Collection method: clinical testing. Allele origin: germline.
Comment: NM_001845.6(COL4A1):c.1246C>T (p.Pro416Ser) is a missense variant that results in the substitution of proline with serine. This variant is rare in population databases. The currently available literature and clinical evidence are not sufficient to establish a definitive association between this variant and the reported condition. Therefore, this variant is classified as a variant of uncertain significance.